The following is an entry in ClinVar:

NM_033056.4(PCDH15):c.5245CCT[2] (p.Pro1751_Pro1752del)

Gene: PCDH15 (protocadherin related 15; minus strand). Cytogenetic location: 10q21.1.
Variant type: Microsatellite.
Coding change: c.5245CCT[2] on transcript NM_033056.4 (MANE Plus Clinical); two copies in a row of the 3-base unit CCT starting at c.5245; the reference has four copies in a row; two copies, 6 bases deleted.
Protein change: p.Pro1751_Pro1752del.
Molecular consequence: inframe deletion. On other transcripts: intron variant (8).
Genome position (GRCh38, 1-based): chr10:53,822,470-53,822,475, AGGAGG deleted on the plus strand (CCTCCT on the coding strand, the reverse complement: PCDH15 is on the minus strand); deleting any 6 consecutive bases within chr10:53,822,470-53,822,481 gives the same sequence; the position shown is the placement nearest the transcript's 3' end. VCF-style (leftmost placement, unchanged base first): chr10-53822469-TAGGAGG-T. GRCh37 (hg19) VCF-style: chr10-55582229-TAGGAGG-T.
Other names: c.5266CCT[2], p.Pro1758_Pro1759del (NM_001142763.2); c.5251CCT[2], p.Pro1753_Pro1754del (NM_001142764.2); c.5038CCT[2], p.Pro1682_Pro1683del (NM_001142765.2); c.5236CCT[2], p.Pro1748_Pro1749del (NM_001142766.2); c.5125CCT[2], p.Pro1711_Pro1712del (NM_001142767.2); c.5185CCT[2], p.Pro1731_Pro1732del (NM_001142768.2); c.5176CCT[2], p.Pro1728_Pro1729del (NM_001142773.2); c.5179CCT[2], p.Pro1729_Pro1730del (NM_001354404.2); and 7 more.
Identifiers: ClinVar variation 2417944 (VCV002417944.5), dbSNP rs397517462, ClinGen allele CA5505091.

ClinVar aggregate classification (germline): Uncertain significance (1 of 4 stars; one submission).

Submission:

Labcorp Genetics (formerly Invitae), Labcorp
Classification: Uncertain significance. Last evaluated: 2024-03-04. Review status: criteria provided, single submitter. Criteria: Invitae Variant Classification Sherloc (09022015). Collection method: clinical testing. Allele origin: germline.
Comment: This variant, c.5251_5256del, results in the deletion of 2 amino acid(s) of the PCDH15 protein (p.Pro1751_Pro1752del), but otherwise preserves the integrity of the reading frame. The frequency data for this variant in the population databases is considered unreliable, as metrics indicate poor data quality at this position in the gnomAD database. This variant has not been reported in the literature in individuals affected with PCDH15-related conditions. Experimental studies and prediction algorithms are not available or were not evaluated, and the functional significance of this variant is currently unknown. In summary, the available evidence is currently insufficient to determine the role of this variant in disease. Therefore, it has been classified as a Variant of Uncertain Significance.